The following is an entry in ClinVar:

NM_170601.5(SIAE):c.1108G>C (p.Asp370His)

Gene: SIAE (sialic acid acetylesterase; minus strand). Cytogenetic location: 11q24.2.
Variant type: single nucleotide variant.
Coding change: c.1108G>C on transcript NM_170601.5 (MANE Select); coding-DNA position 1108, G replaced by C.
Protein change: p.Asp370His; replaces aspartic acid 370 with histidine.
Molecular consequence: missense variant.
Genome position (GRCh38, 1-based): chr11:124,639,726, C>G on the plus strand (G>C on the coding strand, the complement: SIAE is on the minus strand). VCF-style: chr11-124639726-C-G. GRCh37 (hg19) VCF-style: chr11-124509622-C-G.
Other names: c.1003G>C, p.Asp335His (NM_001199922.2); short protein forms D335H, D370H.
Identifiers: ClinVar variation 1470923 (VCV001470923.8), dbSNP rs146397917, ClinGen allele CA6341299.
Genomic context (GRCh38, chr11:124,639,726, plus strand): 5'-AAAGAACATACACTGTTCATGCAAAGCCCAAGAAGCAATCATACCTGCCAAAAGGCGAGT[C>G]TCTATCACAGAGATCCATAGCTACAGCCATGAAAGTATTGGGCATCTTTGGGTTGGGGAC-3'
Protein context (NP_733746.1, residues 360-380): MAVAMDLCDR[Asp370His]SPFGSIHPRD

ClinVar aggregate classification (germline): Uncertain significance (1 of 4 stars; one submission).

Allele frequency attached by ClinVar (database versions not stated): gnomAD 0.00001; TOPMed 0.00003; gnomAD exomes 0.00004 and 0.00016; ESP Exome Variant Server 0.00008; ExAC 0.00016.
gnomAD v4.1: 64 of 1,613,990 alleles (0.004%); highest among the groups gnomAD compares: Admixed American, 0.063%; no homozygotes.

Submission:

Labcorp Genetics (formerly Invitae), Labcorp
Classification: Uncertain significance. Last evaluated: 2025-09-03. Review status: criteria provided, single submitter. Criteria: Invitae Variant Classification Sherloc (09022015). Collection method: clinical testing. Allele origin: germline.
Comment: This sequence change replaces aspartic acid, which is acidic and polar, with histidine, which is basic and polar, at codon 370 of the SIAE protein (p.Asp370His). This variant is present in population databases (rs146397917, gnomAD 0.09%), and has an allele count higher than expected for a pathogenic variant. This variant has not been reported in the literature in individuals affected with SIAE-related conditions. ClinVar contains an entry for this variant (Variation ID: 1470923). An algorithm developed to predict the effect of missense changes on protein structure and function (PolyPhen-2) suggests that this variant is likely to be tolerated. In summary, the available evidence is currently insufficient to determine the role of this variant in disease. Therefore, it has been classified as a Variant of Uncertain Significance.